The following is an entry in ClinVar:

NM_001009944.3(PKD1):c.6823del (p.Val2275fs)

Gene: PKD1 (polycystin 1, transient receptor potential channel interacting; minus strand). Cytogenetic location: 16p13.3.
Variant type: Deletion.
Coding change: c.6823del on transcript NM_001009944.3 (MANE Select); coding-DNA position 6823, one base deleted (G; older notation c.6823delG).
Protein change: p.Val2275fs; shifts the reading frame from valine 2275.
Molecular consequence: frameshift variant.
Genome position (GRCh38, 1-based): chr16:2,108,344, C deleted on the plus strand (G on the coding strand, the reverse complement: PKD1 is on the minus strand); the first of 2 consecutive C bases (chr16:2,108,344-2,108,345); deleting either gives the same sequence. VCF-style (leftmost placement, unchanged base first): chr16-2108343-AC-A. GRCh37 (hg19) VCF-style: chr16-2158344-AC-A.
Other names: c.6823delG (NM_001009944.3); c.6823del, p.Val2275fs (NM_000296.4); short protein forms V2275fs.
Identifiers: ClinVar variation 4853444 (VCV004853444.1).

ClinVar aggregate classification (germline): Pathogenic (1 of 4 stars; one submission).

Conditions:
Polycystic kidney disease, adult type (PKD1). Also called: Polycystic Kidney, Autosomal Dominant; POLYCYSTIC KIDNEY DISEASE, ADULT, TYPE I; Polycystic Kidney Disease 1, Autosomal Dominant; Polycystic kidney disease 1; Polycystic kidney disease 1, severe; POLYCYSTIC KIDNEY DISEASE 1 WITH OR WITHOUT POLYCYSTIC LIVER DISEASE. Identifiers: MedGen C3149841, MONDO:0008263, OMIM 173900.

Submission:

Women's Health and Genetics/Laboratory Corporation of America, LabCorp
Classification: Pathogenic for Polycystic kidney disease, adult type. Last evaluated: 2026-05-08. Review status: criteria provided, single submitter. Criteria: LabCorp Variant Classification Summary - May 2015. Collection method: clinical testing. Allele origin: germline.
Comment: Variant summary: PKD1 c.6823delG (p.Val2275CysfsX39) results in a premature termination codon, predicted to cause a truncation of the encoded protein or absence of the protein due to nonsense mediated decay, which are commonly known mechanisms for disease. The variant was absent in 247850 control chromosomes. To our knowledge, no occurrence of c.6823delG in individuals affected with PKD1-related conditions and no experimental evidence demonstrating its impact on protein function have been reported. No submitters have cited clinical-significance assessments for this variant to ClinVar. Based on the evidence outlined above, the variant was classified as pathogenic.